The following is an entry in ClinVar:

NM_015915.5(ATL1):c.1602C>A (p.His534Gln)

Gene: ATL1 (atlastin GTPase 1; plus strand). Cytogenetic location: 14q22.1.
Variant type: single nucleotide variant.
Coding change: c.1602C>A on transcript NM_015915.5 (MANE Select); coding-DNA position 1602, C replaced by A.
Protein change: p.His534Gln; replaces histidine 534 with glutamine.
Molecular consequence: missense variant.
Genome position (GRCh38, 1-based): chr14:50,632,264, C>A. VCF-style: chr14-50632264-C-A. GRCh37 (hg19) VCF-style: chr14-51098982-C-A.
Other names: c.1587C>A, p.His529Gln (NM_001127713.1, NM_181598.4); short protein forms H529Q, H534Q.
Identifiers: ClinVar variation 2439312 (VCV002439312.6), dbSNP rs752327695, ClinGen allele CA7180558.

ClinVar aggregate classification (germline): Uncertain significance. Review status: criteria provided, multiple submitters, no conflicts (2 of 4 stars). 2 submissions from 2 submitters: Uncertain significance (2). Last evaluated 2025-08-29.

Conditions:
Hereditary spastic paraplegia 3A (SPG3A). Also called: SPASTIC PARAPLEGIA 3, AUTOSOMAL DOMINANT; FAMILIAL SPASTIC PARAPLEGIA, AUTOSOMAL DOMINANT, 1; SPG3; STRUMPELL DISEASE; Spastic Paraplegia 3A; Spastic paraplegia 3A, autosomal dominant. Identifiers: Orphanet 100984, MedGen C2931355, MONDO:0008437, OMIM 182600.

Allele frequency attached by ClinVar (database versions not stated): ExAC 0.00001; gnomAD 0.00001; TOPMed 0.00001.
gnomAD v4.1: 5 of 1,612,648 alleles (0.00031%); highest among the groups gnomAD compares: Admixed American, 0.0017%; no homozygotes.

Submissions (2):

Labcorp Genetics (formerly Invitae), Labcorp
Classification: Uncertain significance for Hereditary spastic paraplegia 3A. Last evaluated: 2025-08-29. Review status: criteria provided, single submitter. Criteria: Invitae Variant Classification Sherloc (09022015). Collection method: clinical testing. Allele origin: germline.
Comment: This sequence change replaces histidine, which is basic and polar, with glutamine, which is neutral and polar, at codon 534 of the ATL1 protein (p.His534Gln). This variant is present in population databases (rs752327695, gnomAD 0.003%). This variant has not been reported in the literature in individuals affected with ATL1-related conditions. ClinVar contains an entry for this variant (Variation ID: 2439312). Invitae Evidence Modeling of protein sequence and biophysical properties (such as structural, functional, and spatial information, amino acid conservation, physicochemical variation, residue mobility, and thermodynamic stability) has been performed for this missense variant. However, the output from this modeling did not meet the statistical confidence thresholds required to predict the impact of this variant on ATL1 protein function. In summary, the available evidence is currently insufficient to determine the role of this variant in disease. Therefore, it has been classified as a Variant of Uncertain Significance.

Revvity Omics, Revvity
Classification: Uncertain significance. Last evaluated: 2022-06-22. Review status: criteria provided, single submitter. Criteria: ACMG Guidelines, 2015. Collection method: clinical testing. Allele origin: germline.